The following is an entry in ClinVar:

ClinVar aggregate classification (germline): Uncertain significance (1 of 4 stars; one submission).

gnomAD v4.1: 2 of 1,613,908 alleles (0.00012%); highest among the groups gnomAD compares: Non-Finnish European, 0.00017%; no homozygotes.

Submission:

Dasa
Classification: Uncertain significance. Last evaluated: 2025-02-26. Review status: criteria provided, single submitter. Criteria: DASA Assertion Criteria. Collection method: clinical testing. Allele origin: germline.
Comment: NM_018896.5(CACNA1G):c.6025A>G (p.Met2009Val) is a missense variant that results in the substitution of methionine with valine. This variant is rare in population databases. Computational prediction algorithms are consistent with a benign effect. The currently available literature and clinical evidence are not sufficient to establish a definitive association between this variant and the reported condition. Therefore, this variant is classified as a variant of uncertain significance.

NM_018896.5(CACNA1G):c.6025A>G (p.Met2009Val)

Gene: CACNA1G (calcium voltage-gated channel subunit alpha1 G; plus strand). Cytogenetic location: 17q21.33.
Variant type: single nucleotide variant.
Coding change: c.6025A>G on transcript NM_018896.5 (MANE Select); coding-DNA position 6025, A replaced by G.
Protein change: p.Met2009Val; replaces methionine 2009 with valine.
Molecular consequence: missense variant. On other transcripts: intron variant (24).
Genome position (GRCh38, 1-based): chr17:50,621,759, A>G. VCF-style: chr17-50621759-A-G. GRCh37 (hg19) VCF-style: chr17-48699120-A-G.
Other names: c.5992A>G, p.Met1998Val (NM_198377.3); c.5812A>G, p.Met1938Val (NM_198383.3); c.5923A>G, p.Met1975Val (NM_198396.3); c.5803-2148A>G (NM_001256325.2); c.5892+1933A>G (NM_198380.3); c.5749-2148A>G (NM_198378.3, NM_001256334.2); c.5925+1933A>G (NM_198385.3); c.5782-2148A>G (NM_198384.3, NM_001256333.2); and 15 more; short protein forms M1938V, M1975V, M1998V, M2009V.
Identifiers: ClinVar variation 4885959 (VCV004885959.2).